The following is an entry in ClinVar:

NM_024876.4(COQ8B):c.491-46C>T

Gene: COQ8B (coenzyme Q8B; minus strand). Cytogenetic location: 19q13.2.
Variant type: single nucleotide variant.
Coding change: c.491-46C>T on transcript NM_024876.4 (MANE Select); 46 bases into the intron before coding-DNA position 491, C replaced by T.
Molecular consequence: intron variant.
Genome position (GRCh38, 1-based): chr19:40,705,227, G>A on the plus strand (C>T on the coding strand, the complement: COQ8B is on the minus strand). VCF-style: chr19-40705227-G-A. GRCh37 (hg19) VCF-style: chr19-41211132-G-A.
Other names: c.368-46C>T (NM_001142555.3).
Identifiers: ClinVar variation 675510 (VCV000675510.1), dbSNP rs59062602, ClinGen allele CA9450397.

ClinVar aggregate classification (germline): Likely benign (1 of 4 stars; one submission).

Allele frequency attached by ClinVar (database versions not stated): ESP Exome Variant Server 0.00446; TOPMed 0.00463; 1000 Genomes Project 0.00559; 1000 Genomes Project 30x 0.00609.
gnomAD v4.1: 1,263 of 1,605,916 alleles (0.079%); highest among the groups gnomAD compares: African/African-American, 1.6%; 8 homozygotes.

Submission:

GeneDx
Classification: Likely benign. Last evaluated: 2018-06-16. Review status: criteria provided, single submitter. Criteria: GeneDx Variant Classification (06012015). Collection method: clinical testing. Allele origin: germline. Affected: yes.
Comment: This variant is considered likely benign or benign based on one or more of the following criteria: it is a conservative change, it occurs at a poorly conserved position in the protein, it is predicted to be benign by multiple in silico algorithms, and/or has population frequency not consistent with disease.